The following is an entry in ClinVar:

NM_000127.3(EXT1):c.1A>G (p.Met1Val)

Gene: EXT1 (exostosin glycosyltransferase 1; minus strand). Cytogenetic location: 8q24.11.
Variant type: single nucleotide variant.
Coding change: c.1A>G on transcript NM_000127.3 (MANE Select); coding-DNA position 1, A replaced by G.
Protein change: p.Met1Val; changes the start codon (methionine 1).
Molecular consequence: missense variant, initiator codon variant.
Genome position (GRCh38, 1-based): chr8:118,111,046, T>C on the plus strand (A>G on the coding strand, the complement: EXT1 is on the minus strand). VCF-style: chr8-118111046-T-C. GRCh37 (hg19) VCF-style: chr8-119123285-T-C.
Other names: short protein forms M1V.
Identifiers: ClinVar variation 4819348 (VCV004819348.1).

ClinVar aggregate classification (germline): Likely pathogenic (1 of 4 stars; one submission).

Conditions:
Exostoses, multiple, type 1 (EXT1). Also called: EXOSTOSES, MULTIPLE, TYPE I; Hereditary Multiple Osteochondromatosis, Type I. Identifiers: MedGen CN263289, MONDO:0007585, OMIM 133700.

Submission:

Clinical Biomedical Laboratory, Shriners Hospital For Children - Canada
Classification: Likely pathogenic for Exostoses, multiple, type 1. Review status: criteria provided, single submitter. Criteria: ACMG Guidelines, 2015. Collection method: clinical testing. Allele origin: germline. Affected: yes.
Comment: This variant is predicted to lead to a loss of the translatiion start codon of EXT1. This is expected to lead to loss of function of the affected allele. This variant is absent from the Genome Aggregation Database (v2.1.1.), indicating it is very rare. Based on the ACMG variant interpretation guidelines (criteria: PVS1, PM2, PP3, PP4), the available evidence supports classification of this variant as likely pathogenic.